The following is an entry in ClinVar:

NM_000051.4(ATM):c.1116T>C (p.Thr372=)

Gene: ATM (ATM serine/threonine kinase; plus strand). Cytogenetic location: 11q22.3.
Variant type: single nucleotide variant.
Coding change: c.1116T>C on transcript NM_000051.4 (MANE Select); coding-DNA position 1116, T replaced by C.
Protein change: p.Thr372=; no amino-acid change (threonine 372 retained).
Molecular consequence: synonymous variant.
Genome position (GRCh38, 1-based): chr11:108,248,983, T>C. VCF-style: chr11-108248983-T-C. GRCh37 (hg19) VCF-style: chr11-108119710-T-C.
Other names: c.1116T>C, p.Thr372= (NM_001351834.2).
Identifiers: ClinVar variation 524467 (VCV000524467.13), dbSNP rs371985921, ClinGen allele CA476671687.

ClinVar aggregate classification (germline): Benign/Likely benign. Review status: criteria provided, multiple submitters, no conflicts (2 of 4 stars). 4 submissions from 4 submitters: Benign (1); Likely benign (2). 1 of the submissions does not count toward it. Last evaluated 2024-04-25.

Conditions:
ATM-related disorder. Also called: ATM-related disorders; ATM-related condition.
Hereditary cancer-predisposing syndrome. Also called: Neoplastic Syndromes, Hereditary; Tumor predisposition; Hereditary Cancer Syndrome; Hereditary neoplastic syndrome. Identifiers: Orphanet 140162, MedGen C0027672, MeSH D009386, MONDO:0015356.
Familial cancer of breast. Also called: hereditary breast carcinoma; BREAST CANCER, FAMILIAL; Hereditary breast cancer. Identifiers: Orphanet 227535, MedGen C0346153, MONDO:0016419, OMIM 114480. Disease mechanism: loss of function.
Ataxia-telangiectasia syndrome (AT). Also called: ATAXIA-TELANGIECTASIA, COMPLEMENTATION GROUP A; ATAXIA-TELANGIECTASIA, FRESNO VARIANT; Ataxia-telangiectasia; Ataxia-telangiectasia, complementation group D; AT, COMPLEMENTATION GROUP C; Ataxia-telangiectasia, complementation group E. Identifiers: Orphanet 100, MedGen C0004135, MONDO:0008840, OMIM 208900.

Allele frequency attached by ClinVar (database versions not stated): gnomAD exomes below 0.00001.
gnomAD v4.1: 1 of 1,612,806 alleles (0.000062%); highest among the groups gnomAD compares: Non-Finnish European, 0.000085%; no homozygotes.

Submissions (4):

Myriad Genetics, Inc.
Classification: Benign for Familial cancer of breast. Last evaluated: 2024-04-25. Review status: criteria provided, single submitter. Criteria: Myriad Autosomal Dominant, Autosomal Recessive and X-Linked Classification Criteria (2023). Collection method: clinical testing. Allele origin: unknown.
Comment: This variant is considered benign. This variant is a silent/synonymous amino acid change and it is not expected to impact splicing.

Ambry Genetics
Classification: Likely benign for Hereditary cancer-predisposing syndrome. Last evaluated: 2021-12-08. Review status: criteria provided, single submitter. Criteria: Ambry Variant Classification Scheme 2023. Collection method: clinical testing. Allele origin: germline.

Labcorp Genetics (formerly Invitae), Labcorp
Classification: Likely benign for Ataxia-telangiectasia syndrome. Last evaluated: 2020-08-27. Review status: criteria provided, single submitter. Criteria: Invitae Variant Classification Sherloc (09022015). Collection method: clinical testing. Allele origin: germline.

PreventionGenetics, part of Exact Sciences
Classification: Likely benign for ATM-related condition. Last evaluated: 2023-04-17. Review status: no assertion criteria provided. Collection method: clinical testing. Allele origin: germline. Not counted in ClinVar's aggregate classification.
Comment: This variant is classified as likely benign based on ACMG/AMP sequence variant interpretation guidelines (Richards et al. 2015 PMID: 25741868, with internal and published modifications).